The following is an entry in ClinVar:

NM_000179.3(MSH6):c.1774G>T (p.Val592Leu)

Gene: MSH6 (mutS homolog 6; plus strand). Cytogenetic location: 2p16.3.
Variant type: single nucleotide variant.
Coding change: c.1774G>T on transcript NM_000179.3 (MANE Select); coding-DNA position 1774, G replaced by T.
Protein change: p.Val592Leu; replaces valine 592 with leucine.
Molecular consequence: missense variant.
Genome position (GRCh38, 1-based): chr2:47,799,757, G>T. VCF-style: chr2-47799757-G-T. GRCh37 (hg19) VCF-style: chr2-48026896-G-T.
Other names: c.1384G>T, p.Val462Leu (NM_001281492.2); c.868G>T, p.Val290Leu (NM_001281493.2, NM_001281494.2, NM_001406811.1 and 6 more transcripts); c.1870G>T, p.Val624Leu (NM_001406795.1, NM_001406802.1); c.1774G>T, p.Val592Leu (NM_001406796.1, NM_001406798.1, NM_001406800.1 and 3 more transcripts); c.1477G>T, p.Val493Leu (NM_001406797.1, NM_001406801.1, NM_001406805.1 and 10 more transcripts); c.1249G>T, p.Val417Leu (NM_001406799.1, NM_001406806.1, NM_001406807.1); c.1696G>T, p.Val566Leu (NM_001406804.1); c.1780G>T, p.Val594Leu (NM_001406813.1); and 1 more; short protein forms V462L, V536L, V624L, V493L, V290L, V417L, V594L, V566L.
Identifiers: ClinVar variation 1779849 (VCV001779849.2), dbSNP rs1558662912, ClinGen allele CA346749174.

ClinVar aggregate classification (germline): Uncertain significance (1 of 4 stars; one submission).

Conditions:
Hereditary cancer-predisposing syndrome. Also called: Neoplastic Syndromes, Hereditary; Tumor predisposition; Hereditary Cancer Syndrome; Hereditary neoplastic syndrome. Identifiers: Orphanet 140162, MedGen C0027672, MeSH D009386, MONDO:0015356.

Submission:

Ambry Genetics
Classification: Uncertain significance for Hereditary cancer-predisposing syndrome. Last evaluated: 2021-06-10. Review status: criteria provided, single submitter. Criteria: Ambry Variant Classification Scheme 2023. Collection method: clinical testing. Allele origin: germline.
Comment: The p.V592L variant (also known as c.1774G>T), located in coding exon 4 of the MSH6 gene, results from a G to T substitution at nucleotide position 1774. The valine at codon 592 is replaced by leucine, an amino acid with highly similar properties. This amino acid position is poorly conserved in available vertebrate species. In addition, the in silico prediction for this alteration is inconclusive. Since supporting evidence is limited at this time, the clinical significance of this alteration remains unclear.